The following is an entry in ClinVar:

ClinVar aggregate classification (germline): Uncertain significance. Review status: criteria provided, multiple submitters, no conflicts (2 of 4 stars). 2 submissions from 2 submitters: Uncertain significance (2). Last evaluated 2025-03-12.

Conditions:
Hereditary cancer-predisposing syndrome. Also called: Hereditary neoplastic syndrome; Neoplastic Syndromes, Hereditary; Hereditary Cancer Syndrome; Tumor predisposition. Identifiers: Orphanet 140162, MedGen C0027672, MeSH D009386, MONDO:0015356.
Tuberous sclerosis 2 (TSC2). Identifiers: Orphanet 805, MedGen C1860707, MONDO:0013199, OMIM 613254.

Submissions (2):

Ambry Genetics
Classification: Uncertain significance for Hereditary cancer-predisposing syndrome. Last evaluated: 2025-03-12. Review status: criteria provided, single submitter. Criteria: Ambry Variant Classification Scheme 2023. Collection method: clinical testing. Allele origin: germline.
Comment: The p.P1508L variant (also known as c.4523C>T), located in coding exon 34 of the TSC2 gene, results from a C to T substitution at nucleotide position 4523. The proline at codon 1508 is replaced by leucine, an amino acid with similar properties. This amino acid position is conserved. In addition, this alteration is predicted to be deleterious by in silico analysis. Based on the available evidence, the clinical significance of this variant remains unclear.

Labcorp Genetics (formerly Invitae), Labcorp
Classification: Uncertain significance for Tuberous sclerosis 2. Last evaluated: 2025-02-26. Review status: criteria provided, single submitter. Criteria: Invitae Variant Classification Sherloc (09022015). Collection method: clinical testing. Allele origin: germline.
Comment: This sequence change replaces proline, which is neutral and non-polar, with leucine, which is neutral and non-polar, at codon 1508 of the TSC2 protein (p.Pro1508Leu). This variant is not present in population databases (gnomAD no frequency). This variant has not been reported in the literature in individuals affected with TSC2-related conditions. ClinVar contains an entry for this variant (Variation ID: 1410902). Invitae Evidence Modeling of protein sequence and biophysical properties (such as structural, functional, and spatial information, amino acid conservation, physicochemical variation, residue mobility, and thermodynamic stability) indicates that this missense variant is not expected to disrupt TSC2 protein function with a negative predictive value of 95%. In summary, the available evidence is currently insufficient to determine the role of this variant in disease. Therefore, it has been classified as a Variant of Uncertain Significance.

NM_000548.5(TSC2):c.4523C>T (p.Pro1508Leu)

Gene: TSC2 (TSC complex subunit 2; plus strand). Cytogenetic location: 16p13.3.
Variant type: single nucleotide variant.
Coding change: c.4523C>T on transcript NM_000548.5 (MANE Select); coding-DNA position 4523, C replaced by T.
Protein change: p.Pro1508Leu; replaces proline 1508 with leucine.
Molecular consequence: missense variant.
Genome position (GRCh38, 1-based): chr16:2,084,980, C>T. VCF-style: chr16-2084980-C-T. GRCh37 (hg19) VCF-style: chr16-2134981-C-T.
Other names: c.4322C>T, p.Pro1441Leu (NM_001077183.3); c.4454C>T, p.Pro1485Leu (NM_001114382.3); c.4214C>T, p.Pro1405Leu (NM_001318827.2); c.4178C>T, p.Pro1393Leu (NM_001318829.2); c.3791C>T, p.Pro1264Leu (NM_001318831.2); c.4355C>T, p.Pro1452Leu (NM_001318832.2); c.4325C>T, p.Pro1442Leu (NM_001363528.2); c.4391C>T, p.Pro1464Leu (NM_001370404.1); and 2 more; short protein forms P1441L, P1442L, P1485L, P1393L, P1465L, P1264L, P1405L, P1452L.
Identifiers: ClinVar variation 1410902 (VCV001410902.8), dbSNP rs2151543885, ClinGen allele CA394302805.
Genomic context (GRCh38, chr16:2,084,980, plus strand): 5'-CCTGGGTGCCCACCATCCCCTCCCTGTGCAGTTTCGTGTTCCTGCAGCTCTACCATTCCC[C>T]CTTCTTTGGCGACGAGTCAAACAAGCCAATCCTGCTGCCCAATGAGGTAGGCGTGGCCTC-3'
Protein context (NP_000539.2, residues 1498-1518): SFVFLQLYHS[Pro1508Leu]FFGDESNKPI